The following is an entry in ClinVar:

ClinVar aggregate classification (germline): Pathogenic (1 of 4 stars; one submission).

Conditions:
Familial cancer of breast. Also called: Hereditary breast cancer; BREAST CANCER, FAMILIAL; hereditary breast carcinoma. Identifiers: Orphanet 227535, MedGen C0346153, MONDO:0016419, OMIM 114480. Disease mechanism: loss of function.

Submission:

Myriad Genetics, Inc.
Classification: Pathogenic for Familial cancer of breast. Last evaluated: 2023-06-28. Review status: criteria provided, single submitter. Criteria: Myriad Autosomal Dominant, Autosomal Recessive and X-Linked Classification Criteria (2023). Collection method: clinical testing. Allele origin: unknown.
Comment: This variant is considered pathogenic. This variant creates a frameshift predicted to result in premature protein truncation.

NM_007194.4(CHEK2):c.1265del (p.Ser422fs)

Gene: CHEK2 (checkpoint kinase 2; minus strand). Cytogenetic location: 22q12.1.
Variant type: Deletion.
Coding change: c.1265del on transcript NM_007194.4 (MANE Select); coding-DNA position 1265, one base deleted (G; older notation c.1265delG).
Protein change: p.Ser422fs; shifts the reading frame from serine 422.
Molecular consequence: frameshift variant.
Genome position (GRCh38, 1-based): chr22:28,695,237, C deleted on the plus strand (G on the coding strand, the reverse complement: CHEK2 is on the minus strand). VCF-style (leftmost placement, unchanged base first): chr22-28695236-AC-A. GRCh37 (hg19) VCF-style: chr22-29091224-AC-A.
Other names: c.1394delG, p.Ser465Metfs (NM_001005735.3); c.602delG, p.Ser201Metfs (NM_001257387.3); c.1064delG, p.Ser355Metfs (NM_001349956.3); c.1178delG, p.Ser393Metfs (NM_145862.3); short protein forms S201fs, S355fs, S393fs, S422fs, S465fs.
Identifiers: ClinVar variation 2583350 (VCV002583350.2), dbSNP rs2517798628, ClinGen allele CA2582342778.